The following is an entry in ClinVar:

NM_014908.4(DOLK):c.1009C>G (p.Arg337Gly)

Gene: DOLK (dolichol kinase; minus strand). Cytogenetic location: 9q34.11.
Variant type: single nucleotide variant.
Coding change: c.1009C>G on transcript NM_014908.4 (MANE Select); coding-DNA position 1009, C replaced by G.
Protein change: p.Arg337Gly; replaces arginine 337 with glycine.
Molecular consequence: missense variant.
Genome position (GRCh38, 1-based): chr9:128,946,295, G>C on the plus strand (C>G on the coding strand, the complement: DOLK is on the minus strand). VCF-style: chr9-128946295-G-C. GRCh37 (hg19) VCF-style: chr9-131708574-G-C.
Other names: short protein forms R337G.
Identifiers: ClinVar variation 1015603 (VCV001015603.9), dbSNP rs1276394817, ClinGen allele CA375120850.

ClinVar aggregate classification (germline): Uncertain significance (1 of 4 stars; one submission).

Conditions:
DK1-congenital disorder of glycosylation. Also called: CONGENITAL DISORDER OF GLYCOSYLATION, TYPE Im; DK1 DEFICIENCY; DOLICHOL KINASE DEFICIENCY; DK1-CDG; DOLK-congenital disorder of glycosylation; Carbohydrate deficient glycoprotein syndrome type 1m. Identifiers: Orphanet 91131, MedGen C1835849, MONDO:0012556, OMIM 610768.

Submission:

Labcorp Genetics (formerly Invitae), Labcorp
Classification: Uncertain significance for DK1-congenital disorder of glycosylation. Last evaluated: 2022-03-18. Review status: criteria provided, single submitter. Criteria: Invitae Variant Classification Sherloc (09022015). Collection method: clinical testing. Allele origin: germline.
Comment: ClinVar contains an entry for this variant (Variation ID: 1015603). Algorithms developed to predict the effect of missense changes on protein structure and function (SIFT, PolyPhen-2, Align-GVGD) all suggest that this variant is likely to be disruptive. In summary, the available evidence is currently insufficient to determine the role of this variant in disease. Therefore, it has been classified as a Variant of Uncertain Significance. This sequence change replaces arginine, which is basic and polar, with glycine, which is neutral and non-polar, at codon 337 of the DOLK protein (p.Arg337Gly). This variant is not present in population databases (gnomAD no frequency). This variant has not been reported in the literature in individuals affected with DOLK-related conditions.